The following is an entry in ClinVar:

NM_000283.4(PDE6B):c.*79A>G

Gene: PDE6B (phosphodiesterase 6B; plus strand). Cytogenetic location: 4p16.3.
Variant type: single nucleotide variant.
Coding change: c.*79A>G on transcript NM_000283.4 (MANE Select); 79 bases downstream of the stop codon, A replaced by G.
Molecular consequence: 3 prime UTR variant. On other transcripts: missense variant (2).
Genome position (GRCh38, 1-based): chr4:670,186, A>G. VCF-style: chr4-670186-A-G. GRCh37 (hg19) VCF-style: chr4-663975-A-G.
Other names: c.*79A>G (NM_001145291.2, NM_001145292.2, NM_001379246.1 and 1 more transcripts); c.1742A>G, p.Tyr581Cys (NM_001350154.3); c.1424A>G, p.Tyr475Cys (NM_001350155.3); short protein forms Y581C, Y475C.
Identifiers: ClinVar variation 349403 (VCV000349403.5), dbSNP rs753277194, ClinGen allele CA2795129.

ClinVar aggregate classification (germline): Conflicting classifications of pathogenicity. Review status: criteria provided, conflicting classifications (1 of 4 stars). 2 submissions from 1 submitter: Uncertain significance (1); Likely benign (1). Last evaluated 2018-01-12.

Conditions:
Retinitis pigmentosa (RP). Identifiers: Orphanet 791, MedGen C0035334, MeSH D012174, MONDO:0019200, OMIM 268000. Inheritance: Autosomal dominant, autosomal recessive and X linked inheritance.
Congenital stationary night blindness autosomal dominant 2. Also called: NIGHT BLINDNESS, CONGENITAL STATIONARY, RAMBUSCH TYPE. Identifiers: Orphanet 215, MedGen C1876182, MONDO:0008099, OMIM 163500.

Allele frequency attached by ClinVar (database versions not stated): gnomAD 0.00001; gnomAD exomes 0.00003 and 0.00005; TOPMed 0.00003; ExAC 0.00005.

Submissions (2):

Illumina Laboratory Services, Illumina
Classification: Likely benign for Congenital stationary night blindness autosomal dominant 2. Last evaluated: 2018-01-12. Review status: criteria provided, single submitter. Criteria: ICSL Variant Classification Criteria 13 December 2019. Collection method: clinical testing. Allele origin: germline.
Comment: This variant was observed in the ICSL laboratory as part of a predisposition screen in an ostensibly healthy population. It had not been previously curated by ICSL or reported in the Human Gene Mutation Database (HGMD: prior to June 1st, 2018), and was therefore a candidate for classification through an automated scoring system. Utilizing variant allele frequency, disease prevalence and penetrance estimates, and inheritance mode, an automated score was calculated to assess if this variant is too frequent to cause the disease. Based on the score and internal cut-off values, a variant classified as likely benign is not then subjected to further curation. The score for this variant resulted in a classification of likely benign for this disease.

Illumina Laboratory Services, Illumina
Classification: Uncertain significance for Retinitis pigmentosa. Last evaluated: 2018-01-12. Review status: criteria provided, single submitter. Criteria: ICSL Variant Classification Criteria 13 December 2019. Collection method: clinical testing. Allele origin: germline.